The following is an entry in ClinVar:

NM_000718.4(CACNA1B):c.2860C>T (p.Arg954Trp)

Gene: CACNA1B (calcium voltage-gated channel subunit alpha1 B; plus strand). Cytogenetic location: 9q34.3.
Variant type: single nucleotide variant.
Coding change: c.2860C>T on transcript NM_000718.4 (MANE Select); coding-DNA position 2860, C replaced by T.
Protein change: p.Arg954Trp; replaces arginine 954 with tryptophan.
Molecular consequence: missense variant.
Genome position (GRCh38, 1-based): chr9:138,023,603, C>T. VCF-style: chr9-138023603-C-T. GRCh37 (hg19) VCF-style: chr9-140918055-C-T.
Other names: c.2860C>T, p.Arg954Trp (NM_001243812.2); short protein forms R954W.
Identifiers: ClinVar variation 3902027 (VCV003902027.1).

ClinVar aggregate classification (germline): Uncertain significance (1 of 4 stars; one submission).

Conditions:
Neurodevelopmental disorder with seizures and nonepileptic hyperkinetic movements. Identifiers: MedGen C5193128, MONDO:0032784, OMIM 618497.

Submission:

Laboratorio de Genetica e Diagnostico Molecular, Hospital Israelita Albert Einstein
Classification: Uncertain significance for Neurodevelopmental disorder with seizures and nonepileptic hyperkinetic movements. Last evaluated: 2025-01-31. Review status: criteria provided, single submitter. Criteria: ACMG Guidelines, 2015. Collection method: clinical testing. Allele origin: germline. Affected: yes.
Comment: ACMG classification criteria: PM2 supporting, BP4 supporting